The following is an entry in ClinVar:

ClinVar aggregate classification (germline): Uncertain significance. Review status: criteria provided, multiple submitters, no conflicts (2 of 4 stars). 4 submissions from 4 submitters: Uncertain significance (4). Last evaluated 2025-10-23.

Conditions:
MYO7A-related disorder. Also called: MYO7A-related disorders.

Allele frequency attached by ClinVar (database versions not stated): gnomAD exomes below 0.00001.

Submissions (4):

PreventionGenetics, part of Exact Sciences
Classification: Uncertain significance for MYO7A-related condition. Last evaluated: 2025-10-23. Review status: criteria provided, single submitter. Criteria: ACMG Guidelines, 2015. Collection method: clinical testing. Allele origin: germline.
Comment: The MYO7A c.5343G>A variant is predicted to result in the amino acid substitution p.Met1781Ile. To our knowledge, this variant has not been reported in the literature. This variant is reported in 0.0031% of alleles in individuals of Latino descent in gnomAD. At this time, the clinical significance of this variant is uncertain due to the absence of conclusive functional and genetic evidence.

GeneDx
Classification: Uncertain significance. Last evaluated: 2025-05-06. Review status: criteria provided, single submitter. Criteria: GeneDx Variant Classification Process June 2021. Collection method: clinical testing. Allele origin: germline. Affected: yes.
Comment: Not observed at significant frequency in large population cohorts (gnomAD); In silico analysis supports that this missense variant has a deleterious effect on protein structure/function; In silico analysis suggests this variant may impact gene splicing. In the absence of RNA/functional studies, the actual effect of this sequence change is unknown.; Has not been previously published as pathogenic or benign to our knowledge

Mayo Clinic Laboratories, Mayo Clinic
Classification: Uncertain significance. Last evaluated: 2023-02-03. Review status: criteria provided, single submitter. Criteria: ACMG Guidelines, 2015. Collection method: clinical testing. Allele origin: germline. Observed: 1 variant allele.
Comment: PP3, PM2

Labcorp Genetics (formerly Invitae), Labcorp
Classification: Uncertain significance. Last evaluated: 2022-10-02. Review status: criteria provided, single submitter. Criteria: Invitae Variant Classification Sherloc (09022015). Collection method: clinical testing. Allele origin: germline.
Comment: This sequence change replaces methionine, which is neutral and non-polar, with isoleucine, which is neutral and non-polar, at codon 1781 of the MYO7A protein (p.Met1781Ile). The frequency data for this variant in the population databases is considered unreliable, as metrics indicate poor data quality at this position in the gnomAD database. This variant has not been reported in the literature in individuals affected with MYO7A-related conditions. Advanced modeling of protein sequence and biophysical properties (such as structural, functional, and spatial information, amino acid conservation, physicochemical variation, residue mobility, and thermodynamic stability) performed at Invitae indicates that this missense variant is expected to disrupt MYO7A protein function. Algorithms developed to predict the effect of sequence changes on RNA splicing suggest that this variant may create or strengthen a splice site. In summary, the available evidence is currently insufficient to determine the role of this variant in disease. Therefore, it has been classified as a Variant of Uncertain Significance.

NM_000260.4(MYO7A):c.5343G>A (p.Met1781Ile)

Gene: MYO7A (myosin VIIA; plus strand). Cytogenetic location: 11q13.5.
Variant type: single nucleotide variant.
Coding change: c.5343G>A on transcript NM_000260.4 (MANE Select); coding-DNA position 5343, G replaced by A.
Protein change: p.Met1781Ile; replaces methionine 1781 with isoleucine.
Molecular consequence: missense variant.
Genome position (GRCh38, 1-based): chr11:77,204,092, G>A. VCF-style: chr11-77204092-G-A. GRCh37 (hg19) VCF-style: chr11-76915137-G-A.
Other names: p.Met1781Ile; c.5343G>A (NM_000260.3); c.5229G>A, p.Met1743Ile (NM_001127180.2); c.5196G>A, p.Met1732Ile (NM_001369365.1); short protein forms M1732I, M1743I, M1781I.
Identifiers: ClinVar variation 1902557 (VCV001902557.5), dbSNP rs1425409546, ClinGen allele CA381952528.